The following is an entry in ClinVar:

NM_018979.4(WNK1):c.575A>T (p.Glu192Val)

Gene: WNK1 (WNK lysine deficient protein kinase 1; plus strand). Cytogenetic location: 12p13.33.
Variant type: single nucleotide variant.
Coding change: c.575A>T on transcript NM_018979.4 (MANE Select); coding-DNA position 575, A replaced by T.
Protein change: p.Glu192Val; replaces glutamic acid 192 with valine.
Molecular consequence: missense variant.
Genome position (GRCh38, 1-based): chr12:754,140, A>T. VCF-style: chr12-754140-A-T. GRCh37 (hg19) VCF-style: chr12-863306-A-T.
Other names: c.575A>T, p.Glu192Val (NM_001184985.2, NM_014823.3, NM_213655.5); short protein forms E192V.
Identifiers: ClinVar variation 952630 (VCV000952630.9), dbSNP rs1939609456, ClinGen allele CA383307447.

ClinVar aggregate classification (germline): Uncertain significance (1 of 4 stars; one submission).

Conditions:
Neuropathy, hereditary sensory and autonomic, type 2A (HSAN2A). Also called: ACROOSTEOLYSIS, GIACCAI TYPE; ACROOSTEOLYSIS, NEUROGENIC; WNK1-Related HSAN2 (HSAN2A); HSAN IIA; MORVAN DISEASE; NEUROPATHY, CONGENITAL SENSORY. Identifiers: Orphanet 970, MedGen C2752089, MONDO:0024309, OMIM 201300.
Pseudohypoaldosteronism type 2C (PHA2C). Also called: Pseudohypoaldosteronism Type IIC. Identifiers: Orphanet 757, Orphanet 88940, MedGen C1840391, MONDO:0013778, OMIM 614492.

Allele frequency attached by ClinVar (database versions not stated): gnomAD exomes below 0.00001.
gnomAD v4.1: 1 of 1,612,674 alleles (0.000062%); highest among the groups gnomAD compares: Non-Finnish European, 0.000085%; no homozygotes.

Submission:

Labcorp Genetics (formerly Invitae), Labcorp
Classification: Uncertain significance for Neuropathy, hereditary sensory and autonomic, type 2A; Pseudohypoaldosteronism type 2C. Last evaluated: 2019-06-04. Review status: criteria provided, single submitter. Criteria: Invitae Variant Classification Sherloc (09022015). Collection method: clinical testing. Allele origin: germline.
Comment: This sequence change replaces glutamic acid with valine at codon 192 of the WNK1 protein (p.Glu192Val). The glutamic acid residue is moderately conserved and there is a moderate physicochemical difference between glutamic acid and valine. This variant is not present in population databases (ExAC no frequency). This variant has not been reported in the literature in individuals with WNK1-related conditions. Algorithms developed to predict the effect of missense changes on protein structure and function are either unavailable or do not agree on the potential impact of this missense change (SIFT: "Deleterious"; PolyPhen-2: "Not Available"; Align-GVGD: "Class C0"). Algorithms developed to predict the effect of sequence changes on RNA splicing suggest that this variant may create or strengthen a splice site, but this prediction has not been confirmed by published transcriptional studies. In summary, the available evidence is currently insufficient to determine the role of this variant in disease. Therefore, it has been classified as a Variant of Uncertain Significance.